The following is an entry in ClinVar:

NM_007294.4(BRCA1):c.2282A>G (p.Glu761Gly)

Gene: BRCA1 (BRCA1 DNA repair associated; minus strand). Cytogenetic location: 17q21.31.
Variant type: single nucleotide variant.
Coding change: c.2282A>G on transcript NM_007294.4 (MANE Select); coding-DNA position 2282, A replaced by G.
Protein change: p.Glu761Gly; replaces glutamic acid 761 with glycine.
Molecular consequence: missense variant. On other transcripts: intron variant (137).
Genome position (GRCh38, 1-based): chr17:43,093,249, T>C on the plus strand (A>G on the coding strand, the complement: BRCA1 is on the minus strand). VCF-style: chr17-43093249-T-C. GRCh37 (hg19) VCF-style: chr17-41245266-T-C.
Other names: c.2138A>G, p.Glu713Gly (NM_001407849.1, NM_001407740.1, NM_001407741.1 and 20 more transcripts); c.2141A>G, p.Glu714Gly (NM_001407850.1, NM_001407851.1, NM_001407852.1 and 29 more transcripts); c.2279A>G, p.Glu760Gly (NM_001407861.1, NM_001407860.1, NM_001407633.1 and 22 more transcripts); c.2069A>G, p.Glu690Gly (NM_001407853.1, NM_001407894.1, NM_001407895.1 and 9 more transcripts); c.2282A>G, p.Glu761Gly (NM_001407854.1, NM_001407858.1, NM_001407859.1 and 30 more transcripts); c.2273A>G, p.Glu758Gly (NM_001407646.1, NM_001407647.1); c.2159A>G, p.Glu720Gly (NM_001407648.1, NM_001407664.1, NM_001407665.1 and 19 more transcripts); c.2156A>G, p.Glu719Gly (NM_001407649.1, NM_001407670.1, NM_001407671.1 and 11 more transcripts); and 41 more; short protein forms E593G, E634G, E649G, E691G, E713G, E761G, E633G, E693G.
Identifiers: ClinVar variation 1788957 (VCV001788957.4), dbSNP rs80356869, ClinGen allele CA10597436.

ClinVar aggregate classification (germline): Conflicting classifications of pathogenicity. Review status: criteria provided, conflicting classifications (1 of 4 stars). 2 submissions from 2 submitters: Uncertain significance (1); Likely benign (1). Last evaluated 2023-03-23.

Conditions:
Hereditary cancer-predisposing syndrome. Also called: Hereditary Cancer Syndrome; Hereditary neoplastic syndrome; Tumor predisposition; Neoplastic Syndromes, Hereditary. Identifiers: Orphanet 140162, MedGen C0027672, MeSH D009386, MONDO:0015356.

gnomAD v4.1: 1 of 1,614,086 alleles (0.000062%); highest among the groups gnomAD compares: Non-Finnish European, 0.000085%; no homozygotes.

Submissions (2):

University of Washington Department of Laboratory Medicine, University of Washington
Classification: Likely benign for Hereditary cancer-predisposing syndrome. Last evaluated: 2023-03-23. Review status: criteria provided, single submitter. Criteria: Dines et al. (Genet Med. 2020). Collection method: curation. Allele origin: germline.
Comment: Missense variant in a coldspot region where missense variants are very unlikely to be pathogenic (PMID:31911673).

BRCA1 coldspot (exon 11 using historical exon numbering). Reclassification based on statistical prior probability

Ambry Genetics
Classification: Uncertain significance for Hereditary cancer-predisposing syndrome. Last evaluated: 2019-05-03. Review status: criteria provided, single submitter. Criteria: Ambry Variant Classification Scheme 2023. Collection method: clinical testing. Allele origin: germline.
Comment: The p.E761G variant (also known as c.2282A>G), located in coding exon 9 of the BRCA1 gene, results from an A to G substitution at nucleotide position 2282. The glutamic acid at codon 761 is replaced by glycine, an amino acid with similar properties. This amino acid position is not well conserved in available vertebrate species. In addition, the in silico prediction for this alteration is inconclusive. Since supporting evidence is limited at this time, the clinical significance of this alteration remains unclear.